The following is an entry in ClinVar:

ClinVar aggregate classification (germline): Uncertain significance (1 of 4 stars; one submission).

Allele frequency attached by ClinVar (database versions not stated): gnomAD 0.00001; gnomAD exomes 0.00001; TOPMed 0.00001.
gnomAD v4.1: 47 of 1,613,892 alleles (0.0029%); highest among the groups gnomAD compares: Non-Finnish European, 0.0036%; no homozygotes.

Submission:

Labcorp Genetics (formerly Invitae), Labcorp
Classification: Uncertain significance. Last evaluated: 2025-12-21. Review status: criteria provided, single submitter. Criteria: Invitae Variant Classification Sherloc (09022015). Collection method: clinical testing. Allele origin: germline.
Comment: This sequence change replaces arginine, which is basic and polar, with glutamine, which is neutral and polar, at codon 2480 of the KMT2A protein (p.Arg2480Gln). This variant is present in population databases (rs782040269, gnomAD 0.002%). This variant has not been reported in the literature in individuals affected with KMT2A-related conditions. ClinVar contains an entry for this variant (Variation ID: 1462471). Invitae Evidence Modeling of protein sequence and biophysical properties (such as structural, functional, and spatial information, amino acid conservation, physicochemical variation, residue mobility, and thermodynamic stability) indicates that this missense variant is not expected to disrupt KMT2A protein function with a negative predictive value of 95%. In summary, the available evidence is currently insufficient to determine the role of this variant in disease. Therefore, it has been classified as a Variant of Uncertain Significance.

NM_001197104.2(KMT2A):c.7439G>A (p.Arg2480Gln)

Gene: KMT2A (lysine methyltransferase 2A; plus strand). Cytogenetic location: 11q23.3.
Variant type: single nucleotide variant.
Coding change: c.7439G>A on transcript NM_001197104.2 (MANE Select); coding-DNA position 7439, G replaced by A.
Protein change: p.Arg2480Gln; replaces arginine 2480 with glutamine.
Molecular consequence: missense variant.
Genome position (GRCh38, 1-based): chr11:118,503,331, G>A. VCF-style: chr11-118503331-G-A. GRCh37 (hg19) VCF-style: chr11-118374046-G-A.
Other names: c.7430G>A, p.Arg2477Gln (NM_005933.4); short protein forms R2477Q, R2480Q.
Identifiers: ClinVar variation 1462471 (VCV001462471.6), dbSNP rs782040269, ClinGen allele CA229526823.
Genomic context (GRCh38, chr11:118,503,331, plus strand): 5'-AAGGAAACTTGAAGCCAGAGTTTATGGATGAGGTTTTGACTCCTGAGTATATGGGCCAAC[G>A]ACCATGTAACAATGTTTCTTCTGATAAGATTGGTGATAAAGGCCTTTCTATGCCAGGAGT-3'
Protein context (NP_001184033.1, residues 2470-2490): EVLTPEYMGQ[Arg2480Gln]PCNNVSSDKI